The following is an entry in ClinVar:

NM_004974.4(KCNA2):c.1219C>G (p.Pro407Ala)

Gene: KCNA2 (potassium voltage-gated channel subfamily A member 2; minus strand). Cytogenetic location: 1p13.3.
Variant type: single nucleotide variant.
Coding change: c.1219C>G on transcript NM_004974.4 (MANE Select); coding-DNA position 1219, C replaced by G.
Protein change: p.Pro407Ala; replaces proline 407 with alanine.
Molecular consequence: missense variant. On other transcripts: intron variant (1).
Genome position (GRCh38, 1-based): chr1:110,603,564, G>C on the plus strand (C>G on the coding strand, the complement: KCNA2 is on the minus strand). VCF-style: chr1-110603564-G-C. GRCh37 (hg19) VCF-style: chr1-111146186-G-C.
Other names: c.894+325C>G (NM_001204269.2); short protein forms P407A.
Identifiers: ClinVar variation 623699 (VCV000623699.50), dbSNP rs1557731896, ClinGen allele CA341601270.

ClinVar aggregate classification (germline): Pathogenic/Likely pathogenic. Review status: criteria provided, multiple submitters, no conflicts (2 of 4 stars). 2 submissions from 2 submitters: Pathogenic (1); Likely pathogenic (1). Last evaluated 2022-01-31.

Conditions:
Developmental and epileptic encephalopathy, 32 (DEE32). Also called: Epileptic encephalopathy, early infantile, 32. Identifiers: Orphanet 442835, MedGen C4225350, MONDO:0014607, OMIM 616366.

Submissions (2):

Labcorp Genetics (formerly Invitae), Labcorp
Classification: Pathogenic for Developmental and epileptic encephalopathy, 32. Last evaluated: 2022-01-31. Review status: criteria provided, single submitter. Criteria: Invitae Variant Classification Sherloc (09022015). Collection method: clinical testing. Allele origin: germline.
Comment: This missense change has been observed in individual(s) with autosomal dominant KCNA2-related neurological disorders (PMID: 33802230; Invitae). In at least one individual the variant was observed to be de novo. This variant is not present in population databases (gnomAD no frequency). This sequence change replaces proline, which is neutral and non-polar, with alanine, which is neutral and non-polar, at codon 407 of the KCNA2 protein (p.Pro407Ala). For these reasons, this variant has been classified as Pathogenic. Advanced modeling of protein sequence and biophysical properties (such as structural, functional, and spatial information, amino acid conservation, physicochemical variation, residue mobility, and thermodynamic stability) performed at Invitae indicates that this missense variant is expected to disrupt KCNA2 protein function. ClinVar contains an entry for this variant (Variation ID: 623699).

CeGaT Center for Human Genetics Tuebingen
Classification: Likely pathogenic. Last evaluated: 2018-07-01. Review status: criteria provided, single submitter. Criteria: CeGaT Center For Human Genetics Tuebingen Variant Classification Criteria Version 2. Collection method: clinical testing. Allele origin: germline. Affected: yes. Observed: 3 variant alleles.

Literature cited by the submitters: PubMed 33802230 (cited by Labcorp Genetics (formerly Invitae), Labcorp).